The following is an entry in ClinVar:

NM_005654.6(NR2F1):c.237G>C (p.Gln79His)

Genes: NR2F1 (nuclear receptor subfamily 2 group F member 1; plus strand), NR2F1-AS1 (NR2F1 regulatory antisense RNA 1; minus strand). Cytogenetic location: 5q15.
Variant type: single nucleotide variant.
Coding change: c.237G>C on transcript NM_005654.6 (MANE Select); coding-DNA position 237, G replaced by C.
Protein change: p.Gln79His; replaces glutamine 79 with histidine.
Molecular consequence: missense variant.
Genome position (GRCh38, 1-based): chr5:93,585,260, G>C. VCF-style: chr5-93585260-G-C. GRCh37 (hg19) VCF-style: chr5-92920966-G-C.
Other names: c.237G>C (NM_005654.5); short protein forms Q79H.
Identifiers: ClinVar variation 676755 (VCV000676755.42), dbSNP rs199844882, ClinGen allele CA3343113.
Genomic context (GRCh38, chr5:93,585,260, plus strand): 5'-AGCGCCCGCCACCCCCGGCACGGCGGGGGACAAGGGCCAGGGCCCGCCCGGTTCGGGCCA[G>C]AGCCAGCAGCACATCGAGTGCGTGGTGTGCGGGGACAAGTCGAGCGGCAAGCACTACGGC-3'
Protein context (NP_005645.1, residues 69-89): DKGQGPPGSG[Gln79His]SQQHIECVVC

ClinVar aggregate classification (germline): Benign/Likely benign. Review status: criteria provided, multiple submitters, no conflicts (2 of 4 stars). 6 submissions from 6 submitters: Benign (1); Likely benign (4). 1 of the submissions does not count toward it. Last evaluated 2026-02-01.

Conditions:
NR2F1-related disorder. Also called: NR2F1-related condition.
Inborn genetic diseases. Identifiers: MedGen C0950123, MeSH D030342.

Allele frequency attached by ClinVar (database versions not stated): 1000 Genomes Project 30x 0.00016; gnomAD 0.00050 and 0.00054; TOPMed 0.00052; ESP Exome Variant Server 0.00062.
gnomAD v4.1: 1,364 of 1,584,950 alleles (0.086%); highest among the groups gnomAD compares: Non-Finnish European, 0.11%; 1 homozygote.

Submissions (6):

CeGaT Center for Human Genetics Tuebingen
Classification: Likely benign. Last evaluated: 2026-02-01. Review status: criteria provided, single submitter. Criteria: CeGaT Center For Human Genetics Tuebingen Variant Classification Criteria Version 2. Collection method: clinical testing. Allele origin: germline. Affected: yes. Observed: 5 variant alleles.
Comment: NR2F1: PP3, BS2

Labcorp Genetics (formerly Invitae), Labcorp
Classification: Likely benign. Last evaluated: 2025-12-11. Review status: criteria provided, single submitter. Criteria: Invitae Variant Classification Sherloc (09022015). Collection method: clinical testing. Allele origin: germline.

Ambry Genetics
Classification: Likely benign for Inborn genetic diseases. Last evaluated: 2025-04-14. Review status: criteria provided, single submitter. Criteria: Ambry Variant Classification Scheme 2023. Collection method: clinical testing. Allele origin: germline.

Blueprint Genetics
Classification: Likely benign. Last evaluated: 2024-09-10. Review status: criteria provided, single submitter. Criteria: ACMG Guidelines, 2015. Collection method: clinical testing. Allele origin: germline.

GeneDx
Classification: Benign. Last evaluated: 2021-03-01. Review status: criteria provided, single submitter. Criteria: GeneDx Variant Classification Process June 2021. Collection method: clinical testing. Allele origin: germline. Affected: yes.

PreventionGenetics, part of Exact Sciences
Classification: Likely benign for NR2F1-related condition. Last evaluated: 2024-05-09. Review status: no assertion criteria provided. Collection method: clinical testing. Allele origin: germline. Not counted in ClinVar's aggregate classification.
Comment: This variant is classified as likely benign based on ACMG/AMP sequence variant interpretation guidelines (Richards et al. 2015 PMID: 25741868, with internal and published modifications).